The following is an entry in ClinVar:

NM_014319.5(LEMD3):c.1192T>C (p.Phe398Leu)

Gene: LEMD3 (LEM domain containing 3; plus strand). Cytogenetic location: 12q14.3.
Variant type: single nucleotide variant.
Coding change: c.1192T>C on transcript NM_014319.5 (MANE Select); coding-DNA position 1192, T replaced by C.
Protein change: p.Phe398Leu; replaces phenylalanine 398 with leucine.
Molecular consequence: missense variant.
Genome position (GRCh38, 1-based): chr12:65,170,788, T>C. VCF-style: chr12-65170788-T-C. GRCh37 (hg19) VCF-style: chr12-65564568-T-C.
Other names: c.1192T>C, p.Phe398Leu (NM_001167614.2); short protein forms F398L.
Identifiers: ClinVar variation 2700211 (VCV002700211.3), dbSNP rs2498940674, ClinGen allele CA385675218.
Genomic context (GRCh38, chr12:65,170,788, plus strand): 5'-ACCTTGGATTCGTCAACAGGCTCCCTTCTGAAAACCAATAATCATATTGGCGGTGGGGCC[T>C]TCAGTGTGGACTCCCCCAGGATTTATTCTAACAGTCTCCCTCCCAGTGCGGCGGTGGCCG-3'
Protein context (NP_055134.2, residues 388-408): KTNNHIGGGA[Phe398Leu]SVDSPRIYSN

ClinVar aggregate classification (germline): Uncertain significance (1 of 4 stars; one submission).

Submission:

Labcorp Genetics (formerly Invitae), Labcorp
Classification: Uncertain significance. Last evaluated: 2025-03-31. Review status: criteria provided, single submitter. Criteria: Invitae Variant Classification Sherloc (09022015). Collection method: clinical testing. Allele origin: germline.
Comment: This sequence change replaces phenylalanine, which is neutral and non-polar, with leucine, which is neutral and non-polar, at codon 398 of the LEMD3 protein (p.Phe398Leu). This variant is not present in population databases (gnomAD no frequency). This variant has not been reported in the literature in individuals affected with LEMD3-related conditions. ClinVar contains an entry for this variant (Variation ID: 2700211). Invitae Evidence Modeling of protein sequence and biophysical properties (such as structural, functional, and spatial information, amino acid conservation, physicochemical variation, residue mobility, and thermodynamic stability) indicates that this missense variant is not expected to disrupt LEMD3 protein function with a negative predictive value of 80%. In summary, the available evidence is currently insufficient to determine the role of this variant in disease. Therefore, it has been classified as a Variant of Uncertain Significance.